The following is an entry in ClinVar:

NM_001164508.2(NEB):c.24431_24433delinsAC (p.Leu8144fs)

Genes: NEB (nebulin; minus strand), RIF1 (replication timing regulatory factor 1; plus strand). Cytogenetic location: 2q23.3.
Variant type: Indel.
Coding change: c.24431_24433delinsAC on transcript NM_001164508.2 (MANE Select); coding-DNA positions 24431 to 24433, TAG replaced by AC.
Protein change: p.Leu8144fs; shifts the reading frame from leucine 8144.
Molecular consequence: frameshift variant.
Genome position (GRCh38, 1-based): chr2:151,496,329-151,496,331, CTA replaced by GT on the plus strand (TAG replaced by AC on the coding strand, the reverse complement: NEB is on the minus strand). VCF-style: chr2-151496329-CTA-GT. GRCh37 (hg19) VCF-style: chr2-152352843-CTA-GT.
Other names: c.24431_24433delinsAC, p.Leu8144fs (NM_001164507.2); c.24536_24538delinsAC, p.Leu8179fs (NM_001271208.2); c.18863_18865delinsAC, p.Leu6288fs (NM_004543.5); short protein forms L6288fs, L8144fs, L8179fs.
Identifiers: ClinVar variation 5014346 (VCV005014346.1).

ClinVar aggregate classification (germline): Pathogenic (1 of 4 stars; one submission).

Conditions:
Nemaline myopathy 2 (NEM2). Also called: Nemaline myopathy 2, autosomal recessive. Identifiers: MedGen C1850569, MONDO:0009725, OMIM 256030.

Submission:

Myriad Genetics, Inc.
Classification: Pathogenic for Nemaline myopathy 2. Last evaluated: 2025-04-23. Review status: criteria provided, single submitter. Criteria: Myriad Autosomal Dominant, Autosomal Recessive and X-Linked Classification Criteria (2023). Collection method: clinical testing. Allele origin: unknown.
Comment: NM_001271208.1(NEB):c.24536_24538delTAGinsAC(L8179Yfs*72) is expected to be pathogenic in the context of NEB-related nemaline myopathy. This variant is predicted to lead to an abnormal or absent protein product due to the creation of a premature termination codon in NEB, a gene where loss-of-function variants are known to be pathogenic. Please note: this variant was assessed in the context of healthy population screening.